The following is an entry in ClinVar:

NM_003242.6(TGFBR2):c.1506C>G (p.Ser502Arg)

Gene: TGFBR2 (transforming growth factor beta receptor 2; plus strand). Cytogenetic location: 3p24.1.
Variant type: single nucleotide variant.
Coding change: c.1506C>G on transcript NM_003242.6 (MANE Select); coding-DNA position 1506, C replaced by G.
Protein change: p.Ser502Arg; replaces serine 502 with arginine.
Molecular consequence: missense variant.
Genome position (GRCh38, 1-based): chr3:30,688,493, C>G. VCF-style: chr3-30688493-C-G. GRCh37 (hg19) VCF-style: chr3-30729985-C-G.
Other names: c.1581C>G, p.Ser527Arg (NM_001024847.3); c.1689C>G, p.Ser563Arg (NM_001407126.1); c.1146C>G, p.Ser382Arg (NM_001407138.1); c.636C>G, p.Ser212Arg (NM_001407139.1); c.1614C>G, p.Ser538Arg (NM_001407127.1); c.1533C>G, p.Ser511Arg (NM_001407128.1); c.1509C>G, p.Ser503Arg (NM_001407129.1); c.1503C>G, p.Ser501Arg (NM_001407130.1); and 2 more; short protein forms S212R, S382R, S407R, S467R, S501R, S502R, S503R, S511R.
Identifiers: ClinVar variation 2653641 (VCV002653641.24), dbSNP rs2125452190, ClinGen allele CA351809423.

ClinVar aggregate classification (germline): Uncertain significance (1 of 4 stars; one submission).

Allele frequency attached by ClinVar (database versions not stated): gnomAD exomes below 0.00001.
gnomAD v4.1: 1 of 1,614,228 alleles (0.000062%); highest among the groups gnomAD compares: Non-Finnish European, 0.000085%; no homozygotes.

Submission:

CeGaT Center for Human Genetics Tuebingen
Classification: Uncertain significance. Last evaluated: 2022-10-01. Review status: criteria provided, single submitter. Criteria: CeGaT Center For Human Genetics Tuebingen Variant Classification Criteria Version 2. Collection method: clinical testing. Allele origin: germline. Affected: yes. Observed: 1 variant allele.
Comment: TGFBR2: PM2, BP4